The following is an entry in ClinVar:

NM_033028.5(BBS4):c.646G>A (p.Gly216Ser)

Gene: BBS4 (Bardet-Biedl syndrome 4; plus strand). Cytogenetic location: 15q24.1.
Variant type: single nucleotide variant.
Coding change: c.646G>A on transcript NM_033028.5 (MANE Select); coding-DNA position 646, G replaced by A.
Protein change: p.Gly216Ser; replaces glycine 216 with serine.
Molecular consequence: missense variant. On other transcripts: non-coding transcript variant (2), intron variant (1).
Genome position (GRCh38, 1-based): chr15:72,729,619, G>A. VCF-style: chr15-72729619-G-A. GRCh37 (hg19) VCF-style: chr15-73021960-G-A.
Other names: c.130G>A, p.Gly44Ser (NM_001252678.2); c.642+1625G>A (NM_001320665.2); short protein forms G216S, G44S.
Identifiers: ClinVar variation 3348008 (VCV003348008.2).
Genomic context (GRCh38, chr15:72,729,619, plus strand): 5'-TCTTTTAACTGCCGTCTCCTTGCTGATGTAAATTGTCTTGTTTGCTTTTTTTCCAAGCTC[G>A]GCATTTACCAGAAGGCATTTGAACATCTTGGCAATGCACTGACTTATGACCCTACCAACT-3'
Protein context (NP_149017.2, residues 206-226): TTLGLLYLQL[Gly216Ser]IYQKAFEHLG

ClinVar aggregate classification (germline): Uncertain significance. Review status: criteria provided, single submitter (1 of 4 stars). 2 submissions from 2 submitters: Uncertain significance (1). 1 of the submissions does not count toward it. Last evaluated 2024-05-28.

Conditions:
BBS4-related disorder. Also called: BBS4-related condition.
Bardet-Biedl syndrome 4 (BBS4). Identifiers: Orphanet 110, MedGen C2936864, MONDO:0014433, OMIM 615982.

gnomAD v4.1: 5 of 1,613,708 alleles (0.00031%); highest among the groups gnomAD compares: African/African-American, 0.004%; no homozygotes.

Submissions (2):

Fulgent Genetics
Classification: Uncertain significance for Bardet-Biedl syndrome 4. Last evaluated: 2024-05-28. Review status: criteria provided, single submitter. Criteria: ACMG Guidelines, 2015. Collection method: clinical testing. Allele origin: germline.

PreventionGenetics, part of Exact Sciences
Classification: Uncertain significance for BBS4-related condition. Last evaluated: 2024-04-13. Review status: no assertion criteria provided. Collection method: clinical testing. Allele origin: germline. Not counted in ClinVar's aggregate classification.
Comment: The BBS4 c.646G>A variant is predicted to result in the amino acid substitution p.Gly216Ser. This variant has been reported as de novo in an individual with an unspecified developmental disorder (Table S2, Turner et al. 2019. PubMed ID: 31785789). This variant is reported in 0.012% of alleles in individuals of African descent in gnomAD. At this time, the clinical significance of this variant is uncertain due to the absence of conclusive functional and genetic evidence.